The following is an entry in ClinVar:

NM_001379110.1(SLC9A6):c.527C>T (p.Ser176Leu)

Gene: SLC9A6 (solute carrier family 9 member A6; plus strand). Cytogenetic location: Xq26.3.
Variant type: single nucleotide variant.
Coding change: c.527C>T on transcript NM_001379110.1 (MANE Select); coding-DNA position 527, C replaced by T.
Protein change: p.Ser176Leu; replaces serine 176 with leucine.
Molecular consequence: missense variant.
Genome position (GRCh38, 1-based): chrX:135,998,858, C>T. VCF-style: chrX-135998858-C-T. GRCh37 (hg19) VCF-style: chrX-135081017-C-T.
Other names: c.527C>T, p.Ser176Leu (NM_001400909.1, NM_001400910.1, NM_001400911.1 and 2 more transcripts); c.431C>T, p.Ser144Leu (NM_001400913.1, NM_001330652.2); c.683C>T, p.Ser228Leu (NM_001438742.1, NM_001042537.2); c.587C>T, p.Ser196Leu (NM_006359.3); short protein forms S176L, S144L, S196L, S228L.
Identifiers: ClinVar variation 4710159 (VCV004710159.1).

ClinVar aggregate classification (germline): Uncertain significance (1 of 4 stars; one submission).

Conditions:
Christianson syndrome (MRXSCH). Also called: SLC9A6-Related Syndromic Mental Retardation; X-linked mental retardation, syndromic, Christianson type; INTELLECTUAL DEVELOPMENTAL DISORDER, X-LINKED, SYNDROMIC, CHRISTIANSON TYPE. Identifiers: Orphanet 85278, MedGen C2678194, MONDO:0010278, OMIM 300243.

Submission:

Labcorp Genetics (formerly Invitae), Labcorp
Classification: Uncertain significance for Christianson syndrome. Last evaluated: 2025-03-17. Review status: criteria provided, single submitter. Criteria: Invitae Variant Classification Sherloc (09022015). Collection method: clinical testing. Allele origin: germline.
Comment: This sequence change replaces serine, which is neutral and polar, with leucine, which is neutral and non-polar, at codon 196 of the SLC9A6 protein (p.Ser196Leu). This variant is not present in population databases (gnomAD no frequency). This variant has not been reported in the literature in individuals affected with SLC9A6-related conditions. An algorithm developed to predict the effect of missense changes on protein structure and function (PolyPhen-2) suggests that this variant is likely to be tolerated. In summary, the available evidence is currently insufficient to determine the role of this variant in disease. Therefore, it has been classified as a Variant of Uncertain Significance.